The following is an entry in ClinVar:

NM_024996.7(GFM1):c.1324-15T>A

Gene: GFM1 (G elongation factor mitochondrial 1; plus strand). Cytogenetic location: 3q25.32.
Variant type: single nucleotide variant.
Coding change: c.1324-15T>A on transcript NM_024996.7 (MANE Select); 15 bases into the intron before coding-DNA position 1324, T replaced by A.
Molecular consequence: intron variant.
Genome position (GRCh38, 1-based): chr3:158,662,613, T>A. VCF-style: chr3-158662613-T-A. GRCh37 (hg19) VCF-style: chr3-158380402-T-A.
Other names: c.1381-15T>A (NM_001308164.2); c.1099-15T>A (NM_001374357.1); c.1243-15T>A (NM_001374355.1); c.1207-15T>A (NM_001374356.1); c.757-15T>A (NM_001374359.1, NM_001374360.1); c.640-15T>A (NM_001374361.1); c.865-15T>A (NM_001374358.1); c.1324-15T>A (NM_001308166.2).
Identifiers: ClinVar variation 343931 (VCV000343931.13), dbSNP rs375168014, ClinGen allele CA2682612.

ClinVar aggregate classification (germline): Conflicting classifications of pathogenicity. Review status: criteria provided, conflicting classifications (1 of 4 stars). 3 submissions from 3 submitters: Uncertain significance (1); Benign (1); Likely benign (1). Last evaluated 2024-10-07.

Conditions:
Hepatoencephalopathy due to combined oxidative phosphorylation defect type 1. Also called: HEPATOENCEPHALOPATHY, EARLY FATAL PROGRESSIVE. Identifiers: Orphanet 137681, MedGen C1836797, MONDO:0012191, OMIM 609060.

Allele frequency attached by ClinVar (database versions not stated): gnomAD exomes 0.00015; ExAC 0.00025; gnomAD 0.00057; TOPMed 0.00071; 1000 Genomes Project 0.00080; ESP Exome Variant Server 0.00092; 1000 Genomes Project 30x 0.00094.
gnomAD v4.1: 173 of 1,536,158 alleles (0.011%); highest among the groups gnomAD compares: African/African-American, 0.22%; no homozygotes.

Submissions (4):

Labcorp Genetics (formerly Invitae), Labcorp
Classification: Benign. Last evaluated: 2024-10-07. Review status: criteria provided, single submitter. Criteria: Invitae Variant Classification Sherloc (09022015). Collection method: clinical testing. Allele origin: germline.

Illumina Laboratory Services, Illumina
Classification: Uncertain significance for Hepatoencephalopathy due to combined oxidative phosphorylation defect type 1. Last evaluated: 2018-01-13. Review status: criteria provided, single submitter. Criteria: ICSL Variant Classification Criteria 13 December 2019. Collection method: clinical testing. Allele origin: germline.

GeneDx
Classification: Likely benign. Last evaluated: 2015-10-22. Review status: criteria provided, single submitter. Criteria: GeneDx Variant Classification (06012015). Collection method: clinical testing. Allele origin: germline. Affected: yes.
Comment: This variant is considered likely benign or benign based on one or more of the following criteria: it is a conservative change, it occurs at a poorly conserved position in the protein, it is predicted to be benign by multiple in silico algorithms, and/or has population frequency not consistent with disease.

Dr. Peter K. Rogan Lab, Western University
No classification provided (evidence only). Condition: Familial pancreatic carcinoma. Review status: no classification provided. Collection method: in vitro. Allele origin: not applicable. Functional consequence: retained intron. Not counted in ClinVar's aggregate classification.